The following is an entry in ClinVar:

ClinVar aggregate classification (germline): Conflicting classifications of pathogenicity. Review status: criteria provided, conflicting classifications (1 of 4 stars). 2 submissions from 2 submitters: Uncertain significance (1); Likely benign (1). Last evaluated 2025-10-23.

Conditions:
Inborn genetic diseases. Identifiers: MedGen C0950123, MeSH D030342.

Allele frequency attached by ClinVar (database versions not stated): TOPMed 0.00006.
gnomAD v4.1: 16 of 1,613,946 alleles (0.00099%); highest among the groups gnomAD compares: Admixed American, 0.025%; no homozygotes.

Submissions (2):

Labcorp Genetics (formerly Invitae), Labcorp
Classification: Uncertain significance. Last evaluated: 2025-10-23. Review status: criteria provided, single submitter. Criteria: Invitae Variant Classification Sherloc (09022015). Collection method: clinical testing. Allele origin: germline.
Comment: This sequence change replaces valine, which is neutral and non-polar, with isoleucine, which is neutral and non-polar, at codon 3111 of the KMT2A protein (p.Val3111Ile). This variant is present in population databases (no rsID available, gnomAD 0.01%). This variant has not been reported in the literature in individuals affected with KMT2A-related conditions. ClinVar contains an entry for this variant (Variation ID: 1413876). Invitae Evidence Modeling of protein sequence and biophysical properties (such as structural, functional, and spatial information, amino acid conservation, physicochemical variation, residue mobility, and thermodynamic stability) indicates that this missense variant is not expected to disrupt KMT2A protein function with a negative predictive value of 95%. In summary, the available evidence is currently insufficient to determine the role of this variant in disease. Therefore, it has been classified as a Variant of Uncertain Significance.

Ambry Genetics
Classification: Likely benign for Inborn genetic diseases. Last evaluated: 2025-08-07. Review status: criteria provided, single submitter. Criteria: Ambry Variant Classification Scheme 2023. Collection method: clinical testing. Allele origin: germline.

NM_001197104.2(KMT2A):c.9331G>A (p.Val3111Ile)

Gene: KMT2A (lysine methyltransferase 2A; plus strand). Cytogenetic location: 11q23.3.
Variant type: single nucleotide variant.
Coding change: c.9331G>A on transcript NM_001197104.2 (MANE Select); coding-DNA position 9331, G replaced by A.
Protein change: p.Val3111Ile; replaces valine 3111 with isoleucine.
Molecular consequence: missense variant.
Genome position (GRCh38, 1-based): chr11:118,505,223, G>A. VCF-style: chr11-118505223-G-A. GRCh37 (hg19) VCF-style: chr11-118375938-G-A.
Other names: c.9322G>A, p.Val3108Ile (NM_005933.4); c.9331G>A (NM_001197104.1); short protein forms V3108I, V3111I.
Identifiers: ClinVar variation 1413876 (VCV001413876.7), dbSNP rs781929360, ClinGen allele CA382819915.